The following is an entry in ClinVar:

ClinVar aggregate classification (germline): Uncertain significance (1 of 4 stars; one submission).

Allele frequency attached by ClinVar (database versions not stated): gnomAD exomes below 0.00001.
gnomAD v4.1: 1 of 1,614,206 alleles (0.000062%); highest among the groups gnomAD compares: Admixed American, 0.0017%; no homozygotes.

Submission:

Labcorp Genetics (formerly Invitae), Labcorp
Classification: Uncertain significance. Last evaluated: 2022-01-26. Review status: criteria provided, single submitter. Criteria: Invitae Variant Classification Sherloc (09022015). Collection method: clinical testing. Allele origin: germline.
Comment: In summary, the available evidence is currently insufficient to determine the role of this variant in disease. Therefore, it has been classified as a Variant of Uncertain Significance. This sequence change falls in intron 6 of the ANKZF1 gene. It does not directly change the encoded amino acid sequence of the ANKZF1 protein. It affects a nucleotide within the consensus splice site. This variant is not present in population databases (gnomAD no frequency). Variants that disrupt the consensus splice site are a relatively common cause of aberrant splicing (PMID: 17576681, 9536098). Algorithms developed to predict the effect of sequence changes on RNA splicing suggest that this variant may disrupt the consensus splice site. This variant has not been reported in the literature in individuals affected with ANKZF1-related conditions.

Literature cited by the submitters: PubMed 17576681; PubMed 9536098.

NM_018089.3(ANKZF1):c.671+3G>T

Gene: ANKZF1 (ankyrin repeat and zinc finger peptidyl tRNA hydrolase 1; plus strand). Cytogenetic location: 2q35.
Variant type: single nucleotide variant.
Coding change: c.671+3G>T on transcript NM_018089.3 (MANE Select); 3 bases into the intron after coding-DNA position 671, G replaced by T.
Molecular consequence: intron variant.
Genome position (GRCh38, 1-based): chr2:219,233,194, G>T. VCF-style: chr2-219233194-G-T. GRCh37 (hg19) VCF-style: chr2-220097916-G-T.
Other names: c.671+3G>T (NM_001042410.2); c.41+3G>T (NM_001282792.2).
Identifiers: ClinVar variation 2089802 (VCV002089802.4), dbSNP rs2544917802, ClinGen allele CA2580065748.